The following is an entry in ClinVar:

NM_032578.4(MYPN):c.3146G>A (p.Gly1049Asp)

Gene: MYPN (myopalladin; plus strand). Cytogenetic location: 10q21.3.
Variant type: single nucleotide variant.
Coding change: c.3146G>A on transcript NM_032578.4 (MANE Select); coding-DNA position 3146, G replaced by A.
Protein change: p.Gly1049Asp; replaces glycine 1049 with aspartic acid.
Molecular consequence: missense variant. On other transcripts: non-coding transcript variant (2).
Genome position (GRCh38, 1-based): chr10:68,195,520, G>A. VCF-style: chr10-68195520-G-A. GRCh37 (hg19) VCF-style: chr10-69955277-G-A.
Other names: c.3146G>A, p.Gly1049Asp (NM_001256267.2); c.2264G>A, p.Gly755Asp (NM_001256268.2); short protein forms G1049D, G755D.
Identifiers: ClinVar variation 241709 (VCV000241709.13), dbSNP rs878855165, ClinGen allele CA10582730.
Genomic context (GRCh38, chr10:68,195,520, plus strand): 5'-GCTGTTCTGGCCACTTGATGGTACAAAGTTTGCCCATTCGCAGTCGGCTAACCTCTGCTG[G>A]TCAGTCTCACAGGTAAAGACAGTAAGAATTCCCCCTCTCTAGGCCCTTCCCAAGCACCTG-3'
Protein context (NP_115967.2, residues 1039-1059): LPIRSRLTSA[Gly1049Asp]QSHRGRSRVQ

ClinVar aggregate classification (germline): Uncertain significance. Review status: criteria provided, multiple submitters, no conflicts (2 of 4 stars). 3 submissions from 3 submitters: Uncertain significance (3). Last evaluated 2024-08-26.

Conditions:
Cardiovascular phenotype. Identifiers: MedGen CN230736.
Dilated cardiomyopathy 1KK (CMD1KK). Identifiers: Orphanet 154, Orphanet 75249, MedGen C3714995, MONDO:0014100, OMIM 615248.

Allele frequency attached by ClinVar (database versions not stated): gnomAD exomes below 0.00001 and 0.00001.
gnomAD v4.1: 10 of 1,613,946 alleles (0.00062%); highest among the groups gnomAD compares: Non-Finnish European, 0.00076%; no homozygotes.

Submissions (3):

GeneDx
Classification: Uncertain significance. Last evaluated: 2024-08-26. Review status: criteria provided, single submitter. Criteria: GeneDx Variant Classification Process June 2021. Collection method: clinical testing. Allele origin: germline. Affected: yes.
Comment: Has not been previously published as pathogenic or benign to our knowledge; Not observed at significant frequency in large population cohorts (gnomAD); In silico analysis indicates that this missense variant does not alter protein structure/function

Labcorp Genetics (formerly Invitae), Labcorp
Classification: Uncertain significance for Dilated cardiomyopathy 1KK. Last evaluated: 2016-02-01. Review status: criteria provided, single submitter. Criteria: Invitae Variant Classification Sherloc (09022015). Collection method: clinical testing. Allele origin: germline.
Comment: In summary, this is a novel missense change with uncertain impact on protein function. It has been classified as a Variant of Uncertain Significance. Algorithms developed to predict the effect of missense changes on protein structure and function do not agree on the potential impact of this missense change (SIFT: "Deleterious"; PolyPhen-2: "Benign"; Align-GVGD: "Class C0"). This variant is not present in population databases (ExAC no frequency) and has not been reported in the literature in individuals with a MYPN-related disease. This sequence change replaces glycine with aspartic acid at codon 1049 of the MYPN protein (p.Gly1049Asp). The glycine residue is moderately conserved and there is a moderate physicochemical difference between glycine and aspartic acid.

Ambry Genetics
Classification: Uncertain significance for Cardiovascular phenotype. Last evaluated: 2015-11-11. Review status: criteria provided, single submitter. Criteria: Ambry Variant Classification Scheme 2023. Collection method: clinical testing. Allele origin: germline.
Comment: The p.G1049D variant (also known as c.3146G>A), located in coding exon 14 of the MYPN gene, results from a G to A substitution at nucleotide position 3146. The glycine at codon 1049 is replaced by aspartic acid, an amino acid with some similar properties. This variant was not reported in population based cohorts in the following databases: Database of Single Nucleotide Polymorphisms (dbSNP), NHLBI Exome Sequencing Project (ESP), and 1000 Genomes Project. In the ESP, this variant was not observed in 6503 samples (13006 alleles) with coverage at this position. This amino acid position is well conserved in available vertebrate species. In addition, this alteration is predicted to be tolerated by in silico analysis. Since supporting evidence is limited at this time, the clinical significance of this variant remains unclear.